The following is an entry in ClinVar:

NM_002103.5(GYS1):c.1865C>T (p.Thr622Ile)

Gene: GYS1 (glycogen synthase 1; minus strand). Cytogenetic location: 19q13.33.
Variant type: single nucleotide variant.
Coding change: c.1865C>T on transcript NM_002103.5 (MANE Select); coding-DNA position 1865, C replaced by T.
Protein change: p.Thr622Ile; replaces threonine 622 with isoleucine.
Molecular consequence: missense variant. On other transcripts: non-coding transcript variant (1).
Genome position (GRCh38, 1-based): chr19:48,969,800, G>A on the plus strand (C>T on the coding strand, the complement: GYS1 is on the minus strand). VCF-style: chr19-48969800-G-A. GRCh37 (hg19) VCF-style: chr19-49473057-G-A.
Other names: c.1673C>T, p.Thr558Ile (NM_001161587.2); short protein forms T558I, T622I.
Identifiers: ClinVar variation 1474001 (VCV001474001.8), dbSNP rs2038526450, ClinGen allele CA406759848.

ClinVar aggregate classification (germline): Uncertain significance (1 of 4 stars; one submission).

Conditions:
Glycogen storage disease due to muscle and heart glycogen synthase deficiency. Also called: GSD 0b; MUSCLE GLYCOGEN SYNTHASE DEFICIENCY. Identifiers: Orphanet 137625, MedGen C1969054, MONDO:0012693, OMIM 611556.

Allele frequency attached by ClinVar (database versions not stated): TOPMed below 0.00001.
gnomAD v4.1: 1 of 1,614,042 alleles (0.000062%); highest among the groups gnomAD compares: African/African-American, 0.0013%; no homozygotes.

Submission:

Labcorp Genetics (formerly Invitae), Labcorp
Classification: Uncertain significance for Glycogen storage disease due to muscle and heart glycogen synthase deficiency. Last evaluated: 2021-05-30. Review status: criteria provided, single submitter. Criteria: Invitae Variant Classification Sherloc (09022015). Collection method: clinical testing. Allele origin: germline.
Comment: In summary, the available evidence is currently insufficient to determine the role of this variant in disease. Therefore, it has been classified as a Variant of Uncertain Significance. Algorithms developed to predict the effect of missense changes on protein structure and function (SIFT, PolyPhen-2, Align-GVGD) all suggest that this variant is likely to be tolerated, but these predictions have not been confirmed by published functional studies and their clinical significance is uncertain. This variant has not been reported in the literature in individuals with GYS1-related conditions. This variant is not present in population databases (ExAC no frequency). This sequence change replaces threonine with isoleucine at codon 622 of the GYS1 protein (p.Thr622Ile). The threonine residue is moderately conserved and there is a moderate physicochemical difference between threonine and isoleucine.